The following is an entry in ClinVar:

ClinVar aggregate classification (germline): Likely benign (1 of 4 stars; one submission).

Conditions:
Autosomal dominant cerebellar ataxia. Also called: Spinocerebellar Ataxia, Dominant. Identifiers: Orphanet 99, MedGen C4087347, MONDO:0020380.

Allele frequency attached by ClinVar (database versions not stated): TOPMed 0.00002; gnomAD exomes 0.00011; ExAC 0.00021.
gnomAD v4.1: 83 of 1,609,560 alleles (0.0052%); highest among the groups gnomAD compares: Non-Finnish European, 0.0066%; no homozygotes.

Submission:

Illumina Laboratory Services, Illumina
Classification: Likely benign for Spinocerebellar Ataxia, Dominant. Last evaluated: 2018-01-13. Review status: criteria provided, single submitter. Criteria: ICSL Variant Classification Criteria 13 December 2019. Collection method: clinical testing. Allele origin: germline.
Comment: This variant was observed in the ICSL laboratory as part of a predisposition screen in an ostensibly healthy population. It had not been previously curated by ICSL or reported in the Human Gene Mutation Database (HGMD: prior to June 1st, 2018), and was therefore a candidate for classification through an automated scoring system. Utilizing variant allele frequency, disease prevalence and penetrance estimates, and inheritance mode, an automated score was calculated to assess if this variant is too frequent to cause the disease. Based on the score and internal cut-off values, a variant classified as likely benign is not then subjected to further curation. The score for this variant resulted in a classification of likely benign for this disease.

NM_001378452.1(ITPR1):c.1886+14G>A

Gene: ITPR1 (inositol 1,4,5-trisphosphate receptor type 1; plus strand). Cytogenetic location: 3p26.1.
Variant type: single nucleotide variant.
Coding change: c.1886+14G>A on transcript NM_001378452.1 (MANE Select); 14 bases into the intron after coding-DNA position 1886, G replaced by A.
Molecular consequence: intron variant.
Genome position (GRCh38, 1-based): chr3:4,667,563, G>A. VCF-style: chr3-4667563-G-A. GRCh37 (hg19) VCF-style: chr3-4709247-G-A.
Other names: c.1886+14G>A (NM_001099952.4); c.1841+14G>A (NM_001168272.2, NM_002222.7).
Identifiers: ClinVar variation 903636 (VCV000903636.4), dbSNP rs370584403, ClinGen allele CA2231282.